The following is an entry in ClinVar:

NM_206933.4(USH2A):c.12427_12437delinsCTCT (p.Ser4143fs)

Gene: USH2A (usherin; minus strand). Cytogenetic location: 1q41.
Variant type: Indel.
Coding change: c.12427_12437delinsCTCT on transcript NM_206933.4 (MANE Select); coding-DNA positions 12427 to 12437, TCGGCGCCTCA replaced by CTCT.
Protein change: p.Ser4143fs; shifts the reading frame from serine 4143.
Molecular consequence: frameshift variant.
Genome position (GRCh38, 1-based): chr1:215,675,474-215,675,484, TGAGGCGCCGA replaced by AGAG on the plus strand (TCGGCGCCTCA replaced by CTCT on the coding strand, the reverse complement: USH2A is on the minus strand). VCF-style: chr1-215675474-TGAGGCGCCGA-AGAG. GRCh37 (hg19) VCF-style: chr1-215848816-TGAGGCGCCGA-AGAG.
Other names: short protein forms S4143fs.
Identifiers: ClinVar variation 5004146 (VCV005004146.1).

ClinVar aggregate classification (germline): Pathogenic (1 of 4 stars; one submission).

Conditions:
USH2A-related disorder. Also called: USH2A-related disorders; USH2A-related condition. Identifiers: MedGen CN239332.

Submission:

Myriad Genetics, Inc.
Classification: Pathogenic for USH2A-related disorder. Last evaluated: 2025-09-05. Review status: criteria provided, single submitter. Criteria: Myriad Autosomal Dominant, Autosomal Recessive and X-Linked Classification Criteria (2023). Collection method: clinical testing. Allele origin: unknown.
Comment: NM_206933.2(USH2A):c.12427_12437del11ins4(S4143Lfs*22) is a frameshift variant classified as pathogenic in the context of USH2A-related disorders. S4143Lfs*22 has not been observed in cases with relevant disease. Relevant functional assessments of this variant are not available in the literature. S4143Lfs*22 has not been observed in referenced population frequency databases. In summary, NM_206933.2(USH2A):c.12427_12437del11ins4(S4143Lfs*22) is a frameshift variant in a gene where loss of function is a known mechanism of disease and is predicted to disrupt protein function. Please note: this variant was assessed in the context of healthy population screening.